The following is an entry in ClinVar:

NM_001701.4(BAAT):c.341T>A (p.Val114Glu)

Gene: BAAT (bile acid-CoA:amino acid N-acyltransferase; minus strand). Cytogenetic location: 9q31.1.
Variant type: single nucleotide variant.
Coding change: c.341T>A on transcript NM_001701.4 (MANE Select); coding-DNA position 341, T replaced by A.
Protein change: p.Val114Glu; replaces valine 114 with glutamic acid.
Molecular consequence: missense variant.
Genome position (GRCh38, 1-based): chr9:101,371,064, A>T on the plus strand (T>A on the coding strand, the complement: BAAT is on the minus strand). VCF-style: chr9-101371064-A-T. GRCh37 (hg19) VCF-style: chr9-104133346-A-T.
Other names: p.Val114Glu; c.341T>A, p.Val114Glu (NM_001127610.2, NM_001374715.1); c.341T>A (NM_001701.3); short protein forms V114E.
Identifiers: ClinVar variation 497625 (VCV000497625.8), dbSNP rs143561437, ClinGen allele CA5160741.

ClinVar aggregate classification (germline): Uncertain significance. Review status: criteria provided, multiple submitters, no conflicts (2 of 4 stars). 3 submissions from 3 submitters: Uncertain significance (2). 1 of the submissions does not count toward it. Last evaluated 2023-02-16.

Conditions:
BAAT-related disorder. Also called: BAAT-related condition.

Allele frequency attached by ClinVar (database versions not stated): ESP Exome Variant Server 0.00054; gnomAD 0.00054 and 0.00051; 1000 Genomes Project 30x 0.00094; 1000 Genomes Project 0.00100; gnomAD exomes 0.00010; ExAC 0.00015; TOPMed 0.00048.
gnomAD v4.1: 141 of 1,614,078 alleles (0.0087%); highest among the groups gnomAD compares: African/African-American, 0.17%; no homozygotes.

Submissions (3):

Mayo Clinic Laboratories, Mayo Clinic
Classification: Uncertain significance. Last evaluated: 2023-02-16. Review status: criteria provided, single submitter. Criteria: ACMG Guidelines, 2015. Collection method: clinical testing. Allele origin: germline. Observed: 2 variant alleles.
Comment: BP4

Eurofins Ntd Llc (ga)
Classification: Uncertain significance. Last evaluated: 2018-01-09. Review status: criteria provided, single submitter. Criteria: EGL Classification Definitions 2015. Collection method: clinical testing. Allele origin: germline. Observed: 2 variant alleles, 2 heterozygotes.

PreventionGenetics, part of Exact Sciences
Classification: Likely benign for BAAT-related condition. Last evaluated: 2023-05-10. Review status: no assertion criteria provided. Collection method: clinical testing. Allele origin: germline. Not counted in ClinVar's aggregate classification.
Comment: This variant is classified as likely benign based on ACMG/AMP sequence variant interpretation guidelines (Richards et al. 2015 PMID: 25741868, with internal and published modifications).